The following is an entry in ClinVar:

ClinVar aggregate classification (germline): Uncertain significance (1 of 4 stars; one submission).

Allele frequency attached by ClinVar (database versions not stated): gnomAD exomes below 0.00001; gnomAD 0.00001; TOPMed 0.00001.
gnomAD v4.1: 4 of 1,613,704 alleles (0.00025%); highest among the groups gnomAD compares: African/African-American, 0.0013%; no homozygotes.

Submission:

GeneDx
Classification: Uncertain significance. Last evaluated: 2022-04-29. Review status: criteria provided, single submitter. Criteria: GeneDx Variant Classification Process June 2021. Collection method: clinical testing. Allele origin: germline. Affected: yes.
Comment: Not observed at significant frequency in large population cohorts (gnomAD); In silico analysis supports a deleterious effect on splicing; In silico analysis supports that this missense variant does not alter protein structure/function; Has not been previously published as pathogenic or benign to our knowledge

NM_001851.6(COL9A1):c.186G>C (p.Gln62His)

Gene: COL9A1 (collagen type IX alpha 1 chain; minus strand). Cytogenetic location: 6q13.
Variant type: single nucleotide variant.
Coding change: c.186G>C on transcript NM_001851.6 (MANE Select); coding-DNA position 186, G replaced by C.
Protein change: p.Gln62His; replaces glutamine 62 with histidine.
Molecular consequence: missense variant.
Genome position (GRCh38, 1-based): chr6:70,300,156, C>G on the plus strand (G>C on the coding strand, the complement: COL9A1 is on the minus strand). VCF-style: chr6-70300156-C-G. GRCh37 (hg19) VCF-style: chr6-71009859-C-G.
Other names: c.186G>C, p.Gln62His (NM_001377291.1); short protein forms Q62H.
Identifiers: ClinVar variation 1712744 (VCV001712744.2), dbSNP rs889867128, ClinGen allele CA140828391.